The following is an entry in ClinVar:

ClinVar aggregate classification (germline): Uncertain significance. Review status: criteria provided, multiple submitters, no conflicts (2 of 4 stars). 6 submissions from 6 submitters: Uncertain significance (5). 1 of the submissions does not count toward it. Last evaluated 2024-05-09.

Conditions:
Achromatopsia 4 (ACHM4). Identifiers: Orphanet 49382, MedGen C1841721, MONDO:0013465, OMIM 613856.
Retinal dystrophy. Also called: Inherited retinal dystrophy. Identifiers: Orphanet 71862, MedGen C0854723, MeSH D058499, MONDO:0019118, HP:0000556.

Allele frequency attached by ClinVar (database versions not stated): gnomAD 0.00002; ExAC 0.00004; gnomAD exomes 0.00005; TOPMed 0.00006.
gnomAD v4.1: 91 of 1,608,074 alleles (0.0057%); highest among the groups gnomAD compares: Middle Eastern, 0.017%; no homozygotes.

Submissions (6):

Blueprint Genetics
Classification: Uncertain significance. Last evaluated: 2024-05-09. Review status: criteria provided, single submitter. Criteria: ACMG Guidelines, 2015. Collection method: clinical testing. Allele origin: germline.

Genome-Nilou Lab
Classification: Uncertain significance for Achromatopsia 4. Last evaluated: 2023-04-11. Review status: criteria provided, single submitter. Criteria: ACMG Guidelines, 2015. Collection method: clinical testing. Allele origin: germline. Affected: no.

Institute of Human Genetics, Univ. Regensburg, Univ. Regensburg
Classification: Uncertain significance for Retinal dystrophy. Last evaluated: 2023-01-01. Review status: criteria provided, single submitter. Criteria: ACMG Guidelines, 2015. Collection method: clinical testing. Allele origin: germline. Affected: yes.

Labcorp Genetics (formerly Invitae), Labcorp
Classification: Uncertain significance. Last evaluated: 2022-10-13. Review status: criteria provided, single submitter. Criteria: Invitae Variant Classification Sherloc (09022015). Collection method: clinical testing. Allele origin: germline.
Comment: This sequence change replaces arginine, which is basic and polar, with cysteine, which is neutral and slightly polar, at codon 242 of the GNAT2 protein (p.Arg242Cys). This variant is present in population databases (rs754414120, gnomAD 0.008%). This variant has not been reported in the literature in individuals affected with GNAT2-related conditions. ClinVar contains an entry for this variant (Variation ID: 623281). Advanced modeling of protein sequence and biophysical properties (such as structural, functional, and spatial information, amino acid conservation, physicochemical variation, residue mobility, and thermodynamic stability) performed at Invitae indicates that this missense variant is expected to disrupt GNAT2 protein function. Algorithms developed to predict the effect of sequence changes on RNA splicing suggest that this variant may disrupt the consensus splice site. In summary, the available evidence is currently insufficient to determine the role of this variant in disease. Therefore, it has been classified as a Variant of Uncertain Significance.

Illumina Laboratory Services, Illumina
Classification: Uncertain significance for Achromatopsia 4. Last evaluated: 2018-01-12. Review status: criteria provided, single submitter. Criteria: ICSL Variant Classification Criteria 13 December 2019. Collection method: clinical testing. Allele origin: germline.

Molecular Genetics Laboratory, Institute for Ophthalmic Research
Classification: Uncertain significance for Achromatopsia 4. Last evaluated: 2018-06-12. Review status: no assertion criteria provided. Collection method: research. Allele origin: germline. Affected: yes. Not counted in ClinVar's aggregate classification.

Literature cited by the submitters: PubMed 31058429 (cited by Institute of Human Genetics, Univ. Regensburg, Univ. Regensburg).

NM_001377295.2(GNAT2):c.724C>T (p.Arg242Cys)

Gene: GNAT2 (G protein subunit alpha transducin 2; minus strand). Cytogenetic location: 1p13.3.
Variant type: single nucleotide variant.
Coding change: c.724C>T on transcript NM_001377295.2 (MANE Select); coding-DNA position 724, C replaced by T.
Protein change: p.Arg242Cys; replaces arginine 242 with cysteine.
Molecular consequence: missense variant.
Genome position (GRCh38, 1-based): chr1:109,604,101, G>A on the plus strand (C>T on the coding strand, the complement: GNAT2 is on the minus strand). VCF-style: chr1-109604101-G-A. GRCh37 (hg19) VCF-style: chr1-110146723-G-A.
Other names: c.724C>T, p.Arg242Cys (NM_001379232.1, NM_005272.5); short protein forms R242C.
Identifiers: ClinVar variation 623281 (VCV000623281.10), dbSNP rs754414120, ClinGen allele CA992324.